The following is an entry in ClinVar:

ClinVar aggregate classification (germline): Pathogenic (1 of 4 stars; one submission).

Conditions:
Deficiency of steroid 11-beta-monooxygenase (CYP11B1). Also called: P450C11B1 DEFICIENCY; STEROID 11-BETA-HYDROXYLASE DEFICIENCY; ADRENAL HYPERPLASIA, CONGENITAL, DUE TO STEROID 11-BETA-HYDROXYLASE DEFICIENCY; Congenital adrenal hyperplasia due to 11-beta-hydroxylase deficiency; 11-BETA-HYDROXYLASE DEFICIENCY; ADRENAL HYPERPLASIA IV. Identifiers: Orphanet 90795, MedGen C0268292, MONDO:0008729, OMIM 202010. Disease mechanism: loss of function.

Submission:

3billion
Classification: Pathogenic for Deficiency of steroid 11-beta-monooxygenase. Last evaluated: 2025-03-05. Review status: criteria provided, single submitter. Criteria: ACMG Guidelines, 2015. Collection method: clinical testing. Allele origin: germline. Affected: yes.
Comment: The variant is not observed in the gnomAD v4.1.0 dataset. Predicted Consequence/Location: Canonical splice site: predicted to alter splicing and result in a loss or disruption of normal protein function. Multiple pathogenic loss-of-function variants are reported downstream of the variant. In silico tools predict the variant to alter splicing and produce an abnormal transcript [SpliceAI: 0.99 (spliceogenicity >=0.2, non-spliceogenicity <0.1)]. Therefore, this variant is classified as Pathogenic according to the recommendation of ACMG/AMP guideline.

NM_000497.4(CYP11B1):c.239+1G>C

Gene: CYP11B1 (cytochrome P450 family 11 subfamily B member 1; minus strand). Cytogenetic location: 8q24.3.
Variant type: single nucleotide variant.
Coding change: c.239+1G>C on transcript NM_000497.4 (MANE Select); the canonical splice donor site of the intron after coding-DNA position 239, G replaced by C.
Molecular consequence: splice donor variant.
Genome position (GRCh38, 1-based): chr8:142,879,574, C>G on the plus strand (G>C on the coding strand, the complement: CYP11B1 is on the minus strand). VCF-style: chr8-142879574-C-G. GRCh37 (hg19) VCF-style: chr8-143960990-C-G.
Other names: c.239+1G>C (NM_001026213.1).
Identifiers: ClinVar variation 4294084 (VCV004294084.1).
Genomic context (GRCh38, chr8:142,879,574, plus strand): 5'-GGTCCTGGGCAGCAAGGGCAGGGCTCTGGGTGTTCCCAGCGAGGGCCAGGGAGGGCTTTA[C>G]CTGAAAATGGGCCCTAGTTCCTGGAAGGTCTGGTGTACTTCCAGGTGCAGGTCCTCATAA-3'